The following is an entry in ClinVar:

ClinVar aggregate classification (germline): Pathogenic (1 of 4 stars; one submission).

Conditions:
Medium-chain acyl-coenzyme A dehydrogenase deficiency (ACADMD). Also called: ACADM DEFICIENCY; CARNITINE DEFICIENCY SECONDARY TO MEDIUM-CHAIN ACYL-CoA DEHYDROGENASE DEFICIENCY; MCADH DEFICIENCY; MCADD; Medium chain acyl-CoA dehydrogenase deficiency; MCAD Deficiency. Identifiers: Orphanet 42, MedGen C0220710, MONDO:0008721, OMIM 201450.

Submission:

Myriad Genetics, Inc.
Classification: Pathogenic for Medium-chain acyl-coenzyme A dehydrogenase deficiency. Last evaluated: 2023-09-27. Review status: criteria provided, single submitter. Criteria: Myriad Autosomal Dominant, Autosomal Recessive and X-Linked Classification Criteria (2023). Collection method: clinical testing. Allele origin: unknown.
Comment: NM_000016.4(ACADM):c.728dupG(C244Mfs*5) is expected to be pathogenic in the context of medium-chain acyl-CoA dehydrogenase deficiency. This variant is predicted to lead to an abnormal or absent protein product due to the creation of a premature termination codon in ACADM, a gene where loss-of-function variants are known to be pathogenic. Please note: this variant was assessed in the context of healthy population screening.

NM_000016.6(ACADM):c.728dup (p.Cys244fs)

Gene: ACADM (acyl-CoA dehydrogenase medium chain; plus strand). Cytogenetic location: 1p31.1.
Variant type: Duplication.
Coding change: c.728dup on transcript NM_000016.6 (MANE Select); coding-DNA position 728, one base duplicated (G; older notation c.728dupG).
Protein change: p.Cys244fs; shifts the reading frame from cysteine 244.
Molecular consequence: frameshift variant.
Genome position (GRCh38, 1-based): chr1:75,749,438, G duplicated. VCF-style (leftmost placement, unchanged base first): chr1-75749437-C-CG. GRCh37 (hg19) VCF-style: chr1-76215122-C-CG.
Other names: c.740dup, p.Cys248fs (NM_001127328.3); c.620dup, p.Cys208fs (NM_001286042.2); c.827dup, p.Cys277fs (NM_001286043.2); c.161dup, p.Cys55fs (NM_001286044.2); short protein forms C208fs, C244fs, C248fs, C277fs, C55fs.
Identifiers: ClinVar variation 5012001 (VCV005012001.1).